The following is an entry in ClinVar:

NM_201384.3(PLEC):c.9997G>A (p.Asp3333Asn)

Gene: PLEC (plectin; minus strand). Cytogenetic location: 8q24.3.
Variant type: single nucleotide variant.
Coding change: c.9997G>A on transcript NM_201384.3 (MANE Select); coding-DNA position 9997, G replaced by A.
Protein change: p.Asp3333Asn; replaces aspartic acid 3333 with asparagine.
Molecular consequence: missense variant.
Genome position (GRCh38, 1-based): chr8:143,919,824, C>T on the plus strand (G>A on the coding strand, the complement: PLEC is on the minus strand). VCF-style: chr8-143919824-C-T. GRCh37 (hg19) VCF-style: chr8-144993992-C-T.
Other names: c.10078G>A, p.Asp3360Asn (NM_000445.5); c.6697G>A, p.Asp2233Asn (NM_001410941.1); c.9955G>A, p.Asp3319Asn (NM_201378.4); c.9931G>A, p.Asp3311Asn (NM_201379.3); c.10408G>A, p.Asp3470Asn (NM_201380.4); c.9901G>A, p.Asp3301Asn (NM_201381.3); c.9997G>A, p.Asp3333Asn (NM_201382.4); c.10009G>A, p.Asp3337Asn (NM_201383.3); short protein forms D2233N, D3333N, D3360N, D3470N, D3301N, D3311N, D3319N, D3337N.
Identifiers: ClinVar variation 2130145 (VCV002130145.4), dbSNP rs2537292364, ClinGen allele CA372504913.

ClinVar aggregate classification (germline): Uncertain significance (1 of 4 stars; one submission).

Conditions:
Epidermolysis bullosa simplex with nail dystrophy (EBS5D). Identifiers: MedGen C4225309, MONDO:0014661, OMIM 616487.
Autosomal recessive limb-girdle muscular dystrophy type 2Q (LGMDR17). Also called: MUSCULAR DYSTROPHY, LIMB-GIRDLE, AUTOSOMAL RECESSIVE 17. Identifiers: Orphanet 254361, MedGen C3150989, MONDO:0013390, OMIM 613723.
Epidermolysis bullosa simplex 5B, with muscular dystrophy (EBS5B). Also called: EPIDERMOLYSIS BULLOSA SIMPLEX AND LIMB-GIRDLE MUSCULAR DYSTROPHY; Epidermolysis bullosa simplex with muscular dystrophy. Identifiers: Orphanet 257, MedGen C2931072, MONDO:0009181, OMIM 226670.
Epidermolysis bullosa simplex, Ogna type (EBS5A). Also called: Pidermolysis bullosa simplex 5A, Ogna type; EPIDERMOLYSIS BULLOSA SIMPLEX 5A, OGNA TYPE. Identifiers: Orphanet 79401, MedGen C0432317, MONDO:0007555, OMIM 131950.
Epidermolysis bullosa simplex 5C, with pyloric atresia (EBS5C). Also called: PLEC-Related Epidermolysis Bullosa with Pyloric Atresia; Epidermolysis bullosa simplex with pyloric atresia; PLEC1-Related Epidermolysis Bullosa with Pyloric Atresia. Identifiers: Orphanet 158684, MedGen C2677349, MONDO:0012807, OMIM 612138.

gnomAD v4.1: 1 of 1,613,140 alleles (0.000062%); highest among the groups gnomAD compares: Non-Finnish European, 0.000085%; no homozygotes.

Submission:

Labcorp Genetics (formerly Invitae), Labcorp
Classification: Uncertain significance for Autosomal recessive limb-girdle muscular dystrophy type 2Q; Epidermolysis bullosa simplex, Ogna type; Epidermolysis bullosa simplex with nail dystrophy; Epidermolysis bullosa simplex 5C, with pyloric atresia; Epidermolysis bullosa simplex 5B, with muscular dystrophy. Last evaluated: 2022-04-24. Review status: criteria provided, single submitter. Criteria: Invitae Variant Classification Sherloc (09022015). Collection method: clinical testing. Allele origin: germline.
Comment: This variant has not been reported in the literature in individuals affected with PLEC-related conditions. This sequence change replaces aspartic acid, which is acidic and polar, with asparagine, which is neutral and polar, at codon 3360 of the PLEC protein (p.Asp3360Asn). This variant is not present in population databases (gnomAD no frequency). Algorithms developed to predict the effect of missense changes on protein structure and function (SIFT, PolyPhen-2, Align-GVGD) all suggest that this variant is likely to be tolerated. In summary, the available evidence is currently insufficient to determine the role of this variant in disease. Therefore, it has been classified as a Variant of Uncertain Significance.